The following is an entry in ClinVar:

ClinVar aggregate classification (germline): Uncertain significance (1 of 4 stars; one submission).

Conditions:
Stormorken syndrome (STRMK). Also called: THROMBOCYTOPATHY, ASPLENIA, AND MIOSIS. Identifiers: Orphanet 3204, MedGen C1861451, MONDO:0008497, OMIM 185070.
Combined immunodeficiency due to STIM1 deficiency. Also called: IMMUNODEFICIENCY 10; STIM1 DEFICIENCY. Identifiers: Orphanet 169090, Orphanet 317430, MedGen C2748557, MONDO:0013008, OMIM 612783.
Myopathy with tubular aggregates (TAM). Also called: Tubular Aggregate Myopathy. Identifiers: Orphanet 2593, MedGen C0410207, MONDO:0008051.

Allele frequency attached by ClinVar (database versions not stated): gnomAD exomes below 0.00001; gnomAD 0.00001; TOPMed 0.00002.
gnomAD v4.1: 3 of 1,614,098 alleles (0.00019%); highest among the groups gnomAD compares: African/African-American, 0.0027%; no homozygotes.

Submission:

Labcorp Genetics (formerly Invitae), Labcorp
Classification: Uncertain significance for Myopathy with tubular aggregates; Combined immunodeficiency due to STIM1 deficiency; Stormorken syndrome. Last evaluated: 2022-11-12. Review status: criteria provided, single submitter. Criteria: Invitae Variant Classification Sherloc (09022015). Collection method: clinical testing. Allele origin: germline.
Comment: This sequence change replaces glutamine, which is neutral and polar, with arginine, which is basic and polar, at codon 507 of the STIM1 protein (p.Gln507Arg). This variant is not present in population databases (gnomAD no frequency). This variant has not been reported in the literature in individuals affected with STIM1-related conditions. Algorithms developed to predict the effect of missense changes on protein structure and function (SIFT, PolyPhen-2, Align-GVGD) all suggest that this variant is likely to be tolerated. In summary, the available evidence is currently insufficient to determine the role of this variant in disease. Therefore, it has been classified as a Variant of Uncertain Significance.

NM_001382567.1(STIM1):c.1613A>G (p.Gln538Arg)

Gene: STIM1 (stromal interaction molecule 1; plus strand). Cytogenetic location: 11p15.4.
Variant type: single nucleotide variant.
Coding change: c.1613A>G on transcript NM_001382567.1 (MANE Select); coding-DNA position 1613, A replaced by G.
Protein change: p.Gln538Arg; replaces glutamine 538 with arginine.
Molecular consequence: missense variant. On other transcripts: non-coding transcript variant (3).
Genome position (GRCh38, 1-based): chr11:4,086,522, A>G. VCF-style: chr11-4086522-A-G. GRCh37 (hg19) VCF-style: chr11-4107752-A-G.
Other names: c.1298A>G, p.Gln433Arg (NM_001382576.1, NM_001382577.1, NM_001382578.1 and 3 more transcripts); c.1031A>G, p.Gln344Arg (NM_001382580.1, NM_001382581.1); c.1520A>G, p.Gln507Arg (NM_003156.4, NM_001277961.3, NM_001277962.2); c.1541A>G, p.Gln514Arg (NM_001382568.1); c.1385A>G, p.Gln462Arg (NM_001382569.1); c.1292A>G, p.Gln431Arg (NM_001382570.1); c.1040A>G, p.Gln347Arg (NM_001382571.1); short protein forms Q462R, Q431R, Q514R, Q344R, Q347R, Q433R, Q507R, Q538R.
Identifiers: ClinVar variation 2195715 (VCV002195715.4), dbSNP rs200567276, ClinGen allele CA216531307.